The following is an entry in ClinVar:

ClinVar aggregate classification (germline): Benign. Review status: criteria provided, multiple submitters, no conflicts (2 of 4 stars). 7 submissions from 7 submitters: Benign (6). 1 of the submissions does not count toward it. Last evaluated 2026-01-28.

Conditions:
Epidermolysis bullosa simplex 5C, with pyloric atresia (EBS5C). Also called: PLEC-Related Epidermolysis Bullosa with Pyloric Atresia; Epidermolysis bullosa simplex with pyloric atresia; PLEC1-Related Epidermolysis Bullosa with Pyloric Atresia. Identifiers: Orphanet 158684, MedGen C2677349, MONDO:0012807, OMIM 612138.
Autosomal recessive limb-girdle muscular dystrophy type 2Q (LGMDR17). Also called: MUSCULAR DYSTROPHY, LIMB-GIRDLE, AUTOSOMAL RECESSIVE 17. Identifiers: Orphanet 254361, MedGen C3150989, MONDO:0013390, OMIM 613723.
Epidermolysis bullosa simplex with nail dystrophy (EBS5D). Identifiers: MedGen C4225309, MONDO:0014661, OMIM 616487.
Epidermolysis bullosa simplex 5B, with muscular dystrophy (EBS5B). Also called: Epidermolysis bullosa simplex with muscular dystrophy; EPIDERMOLYSIS BULLOSA SIMPLEX AND LIMB-GIRDLE MUSCULAR DYSTROPHY. Identifiers: Orphanet 257, MedGen C2931072, MONDO:0009181, OMIM 226670.
Epidermolysis bullosa simplex, Ogna type (EBS5A). Also called: Pidermolysis bullosa simplex 5A, Ogna type; EPIDERMOLYSIS BULLOSA SIMPLEX 5A, OGNA TYPE. Identifiers: Orphanet 79401, MedGen C0432317, MONDO:0007555, OMIM 131950.

Allele frequency attached by ClinVar (database versions not stated): ESP Exome Variant Server 0.00085; gnomAD exomes 0.00566 and 0.02459; gnomAD 0.01118 and 0.01177; TOPMed 0.01878; ExAC 0.01893; 1000 Genomes Project 30x 0.02374; 1000 Genomes Project 0.02436.
gnomAD v4.1: 10,063 of 1,613,224 alleles (0.62%); highest among the groups gnomAD compares: Admixed American, 12%; 618 homozygotes.

Submissions (7):

Labcorp Genetics (formerly Invitae), Labcorp
Classification: Benign for Autosomal recessive limb-girdle muscular dystrophy type 2Q; Epidermolysis bullosa simplex, Ogna type; Epidermolysis bullosa simplex with nail dystrophy; Epidermolysis bullosa simplex 5C, with pyloric atresia; Epidermolysis bullosa simplex 5B, with muscular dystrophy. Last evaluated: 2026-01-28. Review status: criteria provided, single submitter. Criteria: Invitae Variant Classification Sherloc (09022015). Collection method: clinical testing. Allele origin: germline.

Athena Diagnostics
Classification: Benign. Last evaluated: 2024-02-07. Review status: criteria provided, single submitter. Criteria: Athena Diagnostics Criteria. Collection method: clinical testing. Allele origin: unknown.

Mayo Clinic Laboratories, Mayo Clinic
Classification: Benign. Last evaluated: 2017-08-25. Review status: criteria provided, single submitter. Criteria: ACMG Guidelines, 2015. Collection method: clinical testing. Allele origin: germline. Observed: 30 variant alleles.

GeneDx
Classification: Benign. Last evaluated: 2016-01-28. Review status: criteria provided, single submitter. Criteria: GeneDx Variant Classification (06012015). Collection method: clinical testing. Allele origin: germline. Affected: yes.
Comment: This variant is considered likely benign or benign based on one or more of the following criteria: it is a conservative change, it occurs at a poorly conserved position in the protein, it is predicted to be benign by multiple in silico algorithms, and/or has population frequency not consistent with disease.

Eurofins Ntd Llc (ga)
Classification: Benign. Last evaluated: 2015-07-06. Review status: criteria provided, single submitter. Criteria: EGL Classification Definitions 2015. Collection method: clinical testing. Allele origin: germline. Observed: 2 variant alleles, 2 heterozygotes.

Breakthrough Genomics
Classification: Benign. Review status: criteria provided, single submitter. Criteria: ACMG Guidelines, 2015. Collection method: not provided. Allele origin: germline. Inheritance: Autosomal recessive inheritance. Affected: yes.

Genetic Services Laboratory, University of Chicago
Classification: Likely benign for AllHighlyPenetrant. Review status: no assertion criteria provided. Collection method: clinical testing. Allele origin: germline. Inheritance: Autosomal recessive inheritance. Not counted in ClinVar's aggregate classification.
Comment: Likely benign based on allele frequency in 1000 Genomes Project or ESP global frequency and its presence in a patient with a rare or unrelated disease phenotype. NOT Sanger confirmed.

NM_201384.3(PLEC):c.7266C>T (p.Leu2422=)

Gene: PLEC (plectin; minus strand). Cytogenetic location: 8q24.3.
Variant type: single nucleotide variant.
Coding change: c.7266C>T on transcript NM_201384.3 (MANE Select); coding-DNA position 7266, C replaced by T.
Protein change: p.Leu2422=; no amino-acid change (leucine 2422 retained).
Molecular consequence: synonymous variant.
Genome position (GRCh38, 1-based): chr8:143,922,663, G>A on the plus strand (C>T on the coding strand, the complement: PLEC is on the minus strand). VCF-style: chr8-143922663-G-A. GRCh37 (hg19) VCF-style: chr8-144996831-G-A.
Other names: p.Leu2408=; c.7347C>T, p.Leu2449= (NM_000445.5); c.7224C>T, p.Leu2408= (NM_201378.4); c.7200C>T, p.Leu2400= (NM_201379.3); c.7677C>T, p.Leu2559= (NM_201380.4); c.7170C>T, p.Leu2390= (NM_201381.3); c.7266C>T, p.Leu2422= (NM_201382.4); c.7278C>T, p.Leu2426= (NM_201383.3).
Identifiers: ClinVar variation 129954 (VCV000129954.22), dbSNP rs117306121, ClinGen allele CA154600.